The following is an entry in ClinVar:

ClinVar aggregate classification (germline): Uncertain significance (1 of 4 stars; one submission).

Allele frequency attached by ClinVar (database versions not stated): gnomAD exomes below 0.00001.
gnomAD v4.1: 2 of 1,613,490 alleles (0.00012%); highest among the groups gnomAD compares: African/African-American, 0.0013%; no homozygotes.

Submission:

Labcorp Genetics (formerly Invitae), Labcorp
Classification: Uncertain significance. Last evaluated: 2022-01-03. Review status: criteria provided, single submitter. Criteria: Invitae Variant Classification Sherloc (09022015). Collection method: clinical testing. Allele origin: germline.
Comment: In summary, the available evidence is currently insufficient to determine the role of this variant in disease. Therefore, it has been classified as a Variant of Uncertain Significance. Algorithms developed to predict the effect of missense changes on protein structure and function are either unavailable or do not agree on the potential impact of this missense change (SIFT: "Deleterious"; PolyPhen-2: "Benign"; Align-GVGD: "Class C0"). This variant has not been reported in the literature in individuals affected with DENND5A-related conditions. This variant is not present in population databases (gnomAD no frequency). This sequence change replaces threonine, which is neutral and polar, with isoleucine, which is neutral and non-polar, at codon 833 of the DENND5A protein (p.Thr833Ile).

NM_015213.4(DENND5A):c.2498C>T (p.Thr833Ile)

Gene: DENND5A (DENN domain containing 5A; minus strand). Cytogenetic location: 11p15.4.
Variant type: single nucleotide variant.
Coding change: c.2498C>T on transcript NM_015213.4 (MANE Select); coding-DNA position 2498, C replaced by T.
Protein change: p.Thr833Ile; replaces threonine 833 with isoleucine.
Molecular consequence: missense variant. On other transcripts: non-coding transcript variant (1).
Genome position (GRCh38, 1-based): chr11:9,152,381, G>A on the plus strand (C>T on the coding strand, the complement: DENND5A is on the minus strand). VCF-style: chr11-9152381-G-A. GRCh37 (hg19) VCF-style: chr11-9173928-G-A.
Other names: c.2498C>T, p.Thr833Ile (NM_001243254.2, NM_001348748.1); c.2426C>T, p.Thr809Ile (NM_001348749.2); c.2210C>T, p.Thr737Ile (NM_001348750.2); short protein forms T809I, T833I, T737I.
Identifiers: ClinVar variation 2071350 (VCV002071350.4), dbSNP rs2493748077, ClinGen allele CA379606242.
Genomic context (GRCh38, chr11:9,152,381, plus strand): 5'-AGAGAGGGCAGACTCTCCATTGCAGAGACTATCTTACCTGAGGTACTGAGGCTTCCTGAT[G>A]TGAGTTTTCTCTGCCGGTTGTCCTGATAATGTAACAGGTGGGACCATAAGGCTGATTTCC-3'
Protein context (NP_056028.2, residues 823-843): HYQDNRQRKL[Thr833Ile]SGSLSTSGIL